The following is an entry in ClinVar:

NM_032387.5(WNK4):c.1822del (p.Val608fs)

Gene: WNK4 (WNK lysine deficient protein kinase 4; plus strand). Cytogenetic location: 17q21.2.
Variant type: Deletion.
Coding change: c.1822del on transcript NM_032387.5 (MANE Select); coding-DNA position 1822, one base deleted (G; older notation c.1822delG).
Protein change: p.Val608fs; shifts the reading frame from valine 608.
Molecular consequence: frameshift variant.
Genome position (GRCh38, 1-based): chr17:42,787,858, G deleted; the last of 7 consecutive G bases (chr17:42,787,852-42,787,858); deleting any one gives the same sequence. VCF-style (leftmost placement, unchanged base first): chr17-42787851-TG-T. GRCh37 (hg19) VCF-style: chr17-40939869-TG-T.
Other names: c.814del, p.Val272fs (NM_001321299.2); short protein forms V272fs, V608fs.
Identifiers: ClinVar variation 1299625 (VCV001299625.3), dbSNP rs762079039, ClinGen allele CA8584101.

ClinVar aggregate classification (germline): Uncertain significance. Review status: criteria provided, multiple submitters, no conflicts (2 of 4 stars). 2 submissions from 2 submitters: Uncertain significance (2). Last evaluated 2024-11-13.

Conditions:
Pseudohypoaldosteronism type 2B (PHA2B). Also called: Pseudohypoaldosteronism Type IIB. Identifiers: Orphanet 757, Orphanet 88939, MedGen C1840390, MONDO:0013777, OMIM 614491.

Submissions (2):

Labcorp Genetics (formerly Invitae), Labcorp
Classification: Uncertain significance. Last evaluated: 2024-11-13. Review status: criteria provided, single submitter. Criteria: Invitae Variant Classification Sherloc (09022015). Collection method: clinical testing. Allele origin: germline.
Comment: This sequence change creates a premature translational stop signal (p.Val608Cysfs*53) in the WNK4 gene. It is expected to result in an absent or disrupted protein product. However, the current clinical and genetic evidence is not sufficient to establish whether loss-of-function variants in WNK4 cause disease. The frequency data for this variant in the population databases is considered unreliable, as metrics indicate poor data quality at this position in the gnomAD database. This variant has not been reported in the literature in individuals affected with WNK4-related conditions. ClinVar contains an entry for this variant (Variation ID: 1299625). In summary, the available evidence is currently insufficient to determine the role of this variant in disease. Therefore, it has been classified as a Variant of Uncertain Significance.

Laboratory of Medical Genetics, National & Kapodistrian University of Athens
Classification: Uncertain significance for Pseudohypoaldosteronism type 2B. Last evaluated: 2021-10-06. Review status: criteria provided, single submitter. Criteria: ACMG Guidelines, 2015. Collection method: clinical testing. Allele origin: maternal.
Comment: PM2, PP3